The following is an entry in ClinVar:

NM_000179.3(MSH6):c.940del (p.Ser314fs)

Gene: MSH6 (mutS homolog 6; plus strand). Cytogenetic location: 2p16.3.
Variant type: Deletion.
Coding change: c.940del on transcript NM_000179.3 (MANE Select); coding-DNA position 940, one base deleted (A; older notation c.940delA).
Protein change: p.Ser314fs; shifts the reading frame from serine 314.
Molecular consequence: frameshift variant.
Genome position (GRCh38, 1-based): chr2:47,798,923, A deleted; the last of 4 consecutive A bases (chr2:47,798,920-47,798,923); deleting any one gives the same sequence. VCF-style (leftmost placement, unchanged base first): chr2-47798919-GA-G. GRCh37 (hg19) VCF-style: chr2-48026058-GA-G.
Other names: c.940delA (NM_000179.3); c.550del, p.Ser184fs (NM_001281492.2); c.34del, p.Ser12fs (NM_001281493.2, NM_001281494.2); short protein forms S314fs, S12fs, S184fs.
Identifiers: ClinVar variation 1452530 (VCV001452530.9), dbSNP rs2104307566, ClinGen allele CA2550179411.
Genomic context (GRCh38, chr2:47,798,919, plus strand): 5'-CCCTGTCAAAGTTGCTCGAAAGCGGAAGAGAATGGTGACTGGAAATGGCTCTCTTAAAAG[GA>G]AAAGCTCTAGGAAGGAAACGCCCTCAGCCACCAAACAAGCAACTAGCATTTCATCAGAAA-3'

ClinVar aggregate classification (germline): Pathogenic. Review status: criteria provided, multiple submitters, no conflicts (2 of 4 stars). 4 submissions from 4 submitters: Pathogenic (4). Last evaluated 2024-11-14.

Conditions:
Hereditary nonpolyposis colon cancer (HNPCC). Also called: Hereditary nonpolyposis colorectal cancer; Familial nonpolyposis colon cancer; Hereditary Nonpolyposis Colorectal Cancer Syndrome. Identifiers: Orphanet 443909, MedGen C1333990, MONDO:0018630. Disease mechanism: loss of function.
Hereditary cancer-predisposing syndrome. Also called: Tumor predisposition; Neoplastic Syndromes, Hereditary; Hereditary Cancer Syndrome; Hereditary neoplastic syndrome. Identifiers: Orphanet 140162, MedGen C0027672, MeSH D009386, MONDO:0015356.
Hereditary nonpolyposis colorectal neoplasms. Identifiers: MedGen C0009405, MeSH D003123.
Lynch syndrome 5 (LYNCH5). Also called: Colorectal cancer, hereditary nonpolyposis, type 5; Hereditary non-polyposis colorectal cancer, type 5. Identifiers: Orphanet 144, MedGen C1833477, MONDO:0013710, OMIM 614350. Disease mechanism: loss of function.

Submissions (4):

Women's Health and Genetics/Laboratory Corporation of America, LabCorp
Classification: Pathogenic for Hereditary nonpolyposis colon cancer. Last evaluated: 2024-11-14. Review status: criteria provided, single submitter. Criteria: LabCorp Variant Classification Summary - May 2015. Collection method: clinical testing. Allele origin: germline.
Comment: Variant summary: MSH6 c.940delA (p.Ser314AlafsX24) results in a premature termination codon, predicted to cause absence of the protein due to nonsense mediated decay, which is a commonly known mechanism for disease. The variant was absent in 251268 control chromosomes (gnomAD). c.940delA has been reported in the literature in an individual affected with Cancer (Kawamura_2023). The following publication has been ascertained in the context of this evaluation (PMID: 36804482). ClinVar contains an entry for this variant (Variation ID: 1452530). Based on the evidence outlined above, the variant was classified as pathogenic.

Labcorp Genetics (formerly Invitae), Labcorp
Classification: Pathogenic for Hereditary nonpolyposis colorectal neoplasms. Last evaluated: 2023-10-04. Review status: criteria provided, single submitter. Criteria: Invitae Variant Classification Sherloc (09022015). Collection method: clinical testing. Allele origin: germline.
Comment: This sequence change creates a premature translational stop signal (p.Ser314Alafs*24) in the MSH6 gene. It is expected to result in an absent or disrupted protein product. Loss-of-function variants in MSH6 are known to be pathogenic (PMID: 18269114, 24362816). This variant is not present in population databases (gnomAD no frequency). This variant has not been reported in the literature in individuals affected with MSH6-related conditions. ClinVar contains an entry for this variant (Variation ID: 1452530). For these reasons, this variant has been classified as Pathogenic.

Ambry Genetics
Classification: Pathogenic for Hereditary cancer-predisposing syndrome. Last evaluated: 2023-09-27. Review status: criteria provided, single submitter. Criteria: Ambry Variant Classification Scheme 2023. Collection method: clinical testing. Allele origin: germline.
Comment: The c.940delA pathogenic mutation, located in coding exon 4 of the MSH6 gene, results from a deletion of one nucleotide at nucleotide position 940, causing a translational frameshift with a predicted alternate stop codon (p.S314Afs*24). This alteration is expected to result in loss of function by premature protein truncation or nonsense-mediated mRNA decay. As such, this alteration is interpreted as a disease-causing mutation.

Myriad Genetics, Inc.
Classification: Pathogenic for Lynch syndrome 5. Last evaluated: 2023-08-11. Review status: criteria provided, single submitter. Criteria: Myriad Autosomal Dominant, Autosomal Recessive and X-Linked Classification Criteria (2023). Collection method: clinical testing. Allele origin: unknown.
Comment: This variant is considered pathogenic. This variant creates a frameshift predicted to result in premature protein truncation.

Literature cited by the submitters: PubMed 36804482 (cited by Women's Health and Genetics/Laboratory Corporation of America, LabCorp); PubMed 18269114 (cited by Labcorp Genetics (formerly Invitae), Labcorp); PubMed 24362816 (cited by Labcorp Genetics (formerly Invitae), Labcorp).